The following is an entry in ClinVar:

NM_006231.4(POLE):c.6004+3A>G

Gene: POLE (DNA polymerase epsilon, catalytic subunit; minus strand). Cytogenetic location: 12q24.33.
Variant type: single nucleotide variant.
Coding change: c.6004+3A>G on transcript NM_006231.4 (MANE Select); 3 bases into the intron after coding-DNA position 6004, A replaced by G.
Molecular consequence: intron variant.
Genome position (GRCh38, 1-based): chr12:132,634,183, T>C on the plus strand (A>G on the coding strand, the complement: POLE is on the minus strand). VCF-style: chr12-132634183-T-C. GRCh37 (hg19) VCF-style: chr12-133210769-T-C.
Identifiers: ClinVar variation 4862234 (VCV004862234.1).

ClinVar aggregate classification (germline): Uncertain significance (1 of 4 stars; one submission).

Conditions:
Hereditary cancer-predisposing syndrome. Also called: Neoplastic Syndromes, Hereditary; Tumor predisposition; Hereditary Cancer Syndrome; Hereditary neoplastic syndrome. Identifiers: Orphanet 140162, MedGen C0027672, MeSH D009386, MONDO:0015356.

Submission:

Ambry Genetics
Classification: Uncertain significance for Hereditary cancer-predisposing syndrome. Last evaluated: 2026-03-18. Review status: criteria provided, single submitter. Criteria: Ambry Variant Classification Scheme 2023. Collection method: clinical testing. Allele origin: germline.
Comment: The c.6004+3A>G intronic variant results from an A to G substitution 3 nucleotides after coding exon 43 in the POLE gene. This nucleotide position is not well conserved in available vertebrate species. In silico splice site analysis predicts that this alteration will not have any significant effect on splicing. Based on the available evidence, the clinical significance of this variant remains unclear.